The following is an entry in ClinVar:

ClinVar aggregate classification (germline): Uncertain significance (1 of 4 stars; one submission).

Conditions:
Early-infantile DEE. Also called: Early infantile epileptic encephalopathy; Early infantile epileptic encephalopathy with suppression bursts; Ohtahara syndrome. Identifiers: Orphanet 1934, MedGen C0393706, MONDO:0800491.

Submission:

Labcorp Genetics (formerly Invitae), Labcorp
Classification: Uncertain significance for Early-infantile DEE. Last evaluated: 2024-05-24. Review status: criteria provided, single submitter. Criteria: Invitae Variant Classification Sherloc (09022015). Collection method: clinical testing. Allele origin: germline.
Comment: This sequence change replaces leucine, which is neutral and non-polar, with valine, which is neutral and non-polar, at codon 483 of the SCN8A protein (p.Leu483Val). This variant is not present in population databases (gnomAD no frequency). This variant has not been reported in the literature in individuals affected with SCN8A-related conditions. Advanced modeling of protein sequence and biophysical properties (such as structural, functional, and spatial information, amino acid conservation, physicochemical variation, residue mobility, and thermodynamic stability) performed at Invitae indicates that this missense variant is not expected to disrupt SCN8A protein function with a negative predictive value of 95%. In summary, the available evidence is currently insufficient to determine the role of this variant in disease. Therefore, it has been classified as a Variant of Uncertain Significance.

NM_001330260.2(SCN8A):c.1447C>G (p.Leu483Val)

Gene: SCN8A (sodium voltage-gated channel alpha subunit 8; plus strand). Cytogenetic location: 12q13.13.
Variant type: single nucleotide variant.
Coding change: c.1447C>G on transcript NM_001330260.2 (MANE Select); coding-DNA position 1447, C replaced by G.
Protein change: p.Leu483Val; replaces leucine 483 with valine.
Molecular consequence: missense variant.
Genome position (GRCh38, 1-based): chr12:51,706,527, C>G. VCF-style: chr12-51706527-C-G. GRCh37 (hg19) VCF-style: chr12-52100311-C-G.
Other names: c.1447C>G, p.Leu483Val (NM_001177984.3, NM_001369788.1, NM_014191.4); short protein forms L483V.
Identifiers: ClinVar variation 2792024 (VCV002792024.3), dbSNP rs775328249, ClinGen allele CA385228817.